The following is an entry in ClinVar:

NM_005802.5(TOPORS):c.149G>A (p.Arg50Gln)

Gene: TOPORS (TOP1 binding arginine/serine rich protein, E3 ubiquitin ligase; minus strand). Cytogenetic location: 9p21.1.
Variant type: single nucleotide variant.
Coding change: c.149G>A on transcript NM_005802.5 (MANE Select); coding-DNA position 149, G replaced by A.
Protein change: p.Arg50Gln; replaces arginine 50 with glutamine.
Molecular consequence: missense variant. On other transcripts: intron variant (1).
Genome position (GRCh38, 1-based): chr9:32,550,823, C>T on the plus strand (G>A on the coding strand, the complement: TOPORS is on the minus strand). VCF-style: chr9-32550823-C-T. GRCh37 (hg19) VCF-style: chr9-32550821-C-T.
Other names: c.3+1611G>A (NM_001195622.2); short protein forms R50Q.
Identifiers: ClinVar variation 860319 (VCV000860319.10), dbSNP rs199942543, ClinGen allele CA192365624.
Genomic context (GRCh38, chr9:32,550,823, plus strand): 5'-ATCTCACTCACCTCGGAGGATGCCGGCGCAGGCCTGGCTGGGGCGCTCGCCGCGAGCTCC[C>T]GGCAGCCCAGAAAGCTAGGTCGGTGTCGGCAGGATCCGCGAAGGCGTACCCGGCGACTTC-3'
Protein context (NP_005793.2, residues 40-60): CRHRPSFLGC[Arg50Gln]ELAASAPARP

ClinVar aggregate classification (germline): Uncertain significance. Review status: criteria provided, multiple submitters, no conflicts (2 of 4 stars). 2 submissions from 2 submitters: Uncertain significance (2). Last evaluated 2025-01-25.

Conditions:
Inborn genetic diseases. Identifiers: MedGen C0950123, MeSH D030342.

Allele frequency attached by ClinVar (database versions not stated): gnomAD 0.00007; 1000 Genomes Project 0.00040; TOPMed 0.00017; 1000 Genomes Project 30x 0.00047.
gnomAD v4.1: 20 of 1,612,770 alleles (0.0012%); highest among the groups gnomAD compares: Admixed American, 0.013%; no homozygotes.

Submissions (2):

Labcorp Genetics (formerly Invitae), Labcorp
Classification: Uncertain significance. Last evaluated: 2025-01-25. Review status: criteria provided, single submitter. Criteria: Invitae Variant Classification Sherloc (09022015). Collection method: clinical testing. Allele origin: germline.
Comment: This sequence change replaces arginine, which is basic and polar, with glutamine, which is neutral and polar, at codon 50 of the TOPORS protein (p.Arg50Gln). The frequency data for this variant in the population databases is considered unreliable, as metrics indicate poor data quality at this position in the gnomAD database. This variant has not been reported in the literature in individuals affected with TOPORS-related conditions. ClinVar contains an entry for this variant (Variation ID: 860319). An algorithm developed to predict the effect of missense changes on protein structure and function outputs the following: PolyPhen-2: "Benign". The glutamine amino acid residue is found in multiple mammalian species, which suggests that this missense change does not adversely affect protein function. In summary, the available evidence is currently insufficient to determine the role of this variant in disease. Therefore, it has been classified as a Variant of Uncertain Significance.

Ambry Genetics
Classification: Uncertain significance for Inborn genetic diseases. Last evaluated: 2024-11-10. Review status: criteria provided, single submitter. Criteria: Ambry Variant Classification Scheme 2023. Collection method: clinical testing. Allele origin: germline.